The following is an entry in ClinVar:

ClinVar aggregate classification (germline): Pathogenic (1 of 4 stars; one submission).

Conditions:
Hereditary cancer-predisposing syndrome. Also called: Tumor predisposition; Hereditary neoplastic syndrome; Hereditary Cancer Syndrome; Neoplastic Syndromes, Hereditary. Identifiers: Orphanet 140162, MedGen C0027672, MeSH D009386, MONDO:0015356.

Submission:

Ambry Genetics
Classification: Pathogenic for Hereditary cancer-predisposing syndrome. Last evaluated: 2025-06-13. Review status: criteria provided, single submitter. Criteria: Ambry Variant Classification Scheme 2023. Collection method: clinical testing. Allele origin: germline.
Comment: The c.5247delC pathogenic mutation, located in coding exon 34 of the ATM gene, results from a deletion of one nucleotide at nucleotide position 5247, causing a translational frameshift with a predicted alternate stop codon (p.W1750Gfs*6). This variant is considered to be rare based on population cohorts in the Genome Aggregation Database (gnomAD). This alteration is expected to result in loss of function by premature protein truncation or nonsense-mediated mRNA decay. As such, this alteration is interpreted as a disease-causing mutation.

NM_000051.4(ATM):c.5247del (p.Trp1750fs)

Gene: ATM (ATM serine/threonine kinase; plus strand). Cytogenetic location: 11q22.3.
Variant type: Deletion.
Coding change: c.5247del on transcript NM_000051.4 (MANE Select); coding-DNA position 5247, one base deleted (C; older notation c.5247delC).
Protein change: p.Trp1750fs; shifts the reading frame from tryptophan 1750.
Molecular consequence: frameshift variant.
Genome position (GRCh38, 1-based): chr11:108,301,717, C deleted. VCF-style (leftmost placement, unchanged base first): chr11-108301716-TC-T. GRCh37 (hg19) VCF-style: chr11-108172443-TC-T.
Other names: c.5247del, p.Trp1750fs (NM_001351834.2); short protein forms W1750fs.
Identifiers: ClinVar variation 3967493 (VCV003967493.1).